The following is an entry in ClinVar:

ClinVar aggregate classification (germline): Uncertain significance (1 of 4 stars; one submission).

Allele frequency attached by ClinVar (database versions not stated): TOPMed below 0.00001.

Submission:

CeGaT Center for Human Genetics Tuebingen
Classification: Uncertain significance. Last evaluated: 2024-02-01. Review status: criteria provided, single submitter. Criteria: CeGaT Center For Human Genetics Tuebingen Variant Classification Criteria Version 2. Collection method: clinical testing. Allele origin: germline. Affected: yes. Observed: 1 variant allele.
Comment: PRKAG2: PM2

NM_016203.4(PRKAG2):c.536C>A (p.Ser179Tyr)

Gene: PRKAG2 (protein kinase AMP-activated non-catalytic subunit gamma 2; minus strand). Cytogenetic location: 7q36.1.
Variant type: single nucleotide variant.
Coding change: c.536C>A on transcript NM_016203.4 (MANE Select); coding-DNA position 536, C replaced by A.
Protein change: p.Ser179Tyr; replaces serine 179 with tyrosine.
Molecular consequence: missense variant. On other transcripts: intron variant (5).
Genome position (GRCh38, 1-based): chr7:151,675,568, G>T on the plus strand (C>A on the coding strand, the complement: PRKAG2 is on the minus strand). VCF-style: chr7-151675568-G-T. GRCh37 (hg19) VCF-style: chr7-151372654-G-T.
Other names: c.536C>A, p.Ser179Tyr (NM_001407021.1, NM_001407022.1, NM_001407023.1); c.404C>A, p.Ser135Tyr (NM_001407024.1, NM_001407026.1, NM_001407027.1 and 1 more transcripts); c.164C>A, p.Ser55Tyr (NM_001407028.1, NM_001407029.1, NM_001304527.2 and 1 more transcripts); c.218C>A, p.Ser73Tyr (NM_001407032.1); c.467-80117C>A (NM_001407031.1); c.467-80114C>A (NM_001407030.1); c.361-43430C>A (NM_001407033.1); c.94+60332C>A (NM_001407037.1); and 1 more; short protein forms S135Y, S179Y, S55Y, S73Y.
Identifiers: ClinVar variation 3027126 (VCV003027126.22), dbSNP rs1216586150, ClinGen allele CA370188032.